The following is an entry in ClinVar:

ClinVar aggregate classification (germline): Conflicting classifications of pathogenicity. Review status: criteria provided, conflicting classifications (1 of 4 stars). 7 submissions from 7 submitters: Uncertain significance (5); Benign (1); Likely benign (1). Last evaluated 2025-10-11.

Conditions:
Juvenile polyposis syndrome (JPS). Identifiers: Orphanet 2929, MedGen C0345893, MONDO:0017380, OMIM 174900.
Hereditary cancer-predisposing syndrome. Also called: Neoplastic Syndromes, Hereditary; Hereditary Cancer Syndrome; Hereditary neoplastic syndrome; Tumor predisposition. Identifiers: Orphanet 140162, MedGen C0027672, MeSH D009386, MONDO:0015356.
Familial thoracic aortic aneurysm and aortic dissection (TAAD). Also called: Thoracic aortic aneurysms and dissections. Identifiers: Orphanet 91387, MedGen C4707243, MONDO:0019625.
Juvenile polyposis/hereditary hemorrhagic telangiectasia syndrome (JPHT). Also called: TELANGIECTASIA, HEREDITARY HEMORRHAGIC, WITH JUVENILE POLYPOSIS COLI; Juvenile Polyposis Syndrome / Hereditary Hemorrhagic Telangiectasia (JPS/HHT); JP/HHT SYNDROME; JUVENILE POLYPOSIS WITH HEREDITARY HEMORRHAGIC TELANGIECTASIA; POLYPOSIS, GENERALIZED JUVENILE, WITH PULMONARY ARTERIOVENOUS MALFORMATION. Identifiers: Orphanet 2929, MedGen C1832942, MONDO:0008278, OMIM 175050.

Allele frequency attached by ClinVar (database versions not stated): gnomAD exomes below 0.00001; TOPMed 0.00001.
gnomAD v4.1: 5 of 1,613,538 alleles (0.00031%); highest among the groups gnomAD compares: Non-Finnish European, 0.00042%; no homozygotes.

Submissions (7):

Labcorp Genetics (formerly Invitae), Labcorp
Classification: Benign for Juvenile polyposis syndrome. Last evaluated: 2025-10-11. Review status: criteria provided, single submitter. Criteria: Invitae Variant Classification Sherloc (09022015). Collection method: clinical testing. Allele origin: germline.

Ambry Genetics
Classification: Likely benign for Hereditary cancer-predisposing syndrome; Familial thoracic aortic aneurysm and aortic dissection. Last evaluated: 2024-12-05. Review status: criteria provided, single submitter. Criteria: Ambry Variant Classification Scheme 2023. Collection method: clinical testing. Allele origin: germline.

Baylor Genetics
Classification: Uncertain significance for Juvenile polyposis/hereditary hemorrhagic telangiectasia syndrome. Last evaluated: 2024-03-13. Review status: criteria provided, single submitter. Criteria: ACMG Guidelines, 2015. Collection method: clinical testing. Allele origin: unknown.

Color Diagnostics, LLC DBA Color Health
Classification: Uncertain significance for Hereditary cancer-predisposing syndrome. Last evaluated: 2024-02-05. Review status: criteria provided, single submitter. Criteria: ACMG Guidelines, 2015. Collection method: clinical testing. Allele origin: germline.
Comment: This missense variant replaces histidine with proline at codon 282 of the SMAD4 protein. Computational prediction suggests that this variant may not impact protein structure and function (internally defined REVEL score threshold <= 0.5, PMID: 27666373). To our knowledge, functional studies have not been reported for this variant. This variant has been reported in an individual affected with colorectal cancer (PMID: 28135145), and in an individual affected with breast and thyroid cancer (PMID: 34130653). This variant has not been identified in the general population by the Genome Aggregation Database (gnomAD). The available evidence is insufficient to determine the role of this variant in disease conclusively. Therefore, this variant is classified as a Variant of Uncertain Significance.

GeneDx
Classification: Uncertain significance. Last evaluated: 2023-09-21. Review status: criteria provided, single submitter. Criteria: GeneDx Variant Classification Process June 2021. Collection method: clinical testing. Allele origin: germline. Affected: yes.
Comment: Observed in at least one individual with colon cancer (Yurgelun et al., 2017); In silico analysis supports that this missense variant does not alter protein structure/function; Not observed at significant frequency in large population cohorts (gnomAD); This variant is associated with the following publications: (PMID: 28135145, 10636916)

All of Us Research Program, National Institutes of Health
Classification: Uncertain significance for Juvenile polyposis/hereditary hemorrhagic telangiectasia syndrome. Last evaluated: 2023-06-28. Review status: criteria provided, single submitter. Criteria: ACMG Guidelines, 2015. Collection method: clinical testing. Allele origin: germline. Inheritance: Autosomal dominant inheritance. Observed: 1 variant allele, 1 heterozygote.
Comment: This missense variant replaces histidine with proline at codon 282 of the SMAD4 protein. Computational prediction suggests that this variant may not impact protein structure and function (internally defined REVEL score threshold <= 0.5, PMID: 27666373). To our knowledge, functional studies have not been reported for this variant. This variant has been reported in an individuals affected with colorectal cancer and breast cancer (PMID: 28135145, 34130653). This variant has not been identified in the general population by the Genome Aggregation Database (gnomAD). The available evidence is insufficient to determine the role of this variant in disease conclusively. Therefore, this variant is classified as a Variant of Uncertain Significance.

This study involves interpretation of variants in research participants for the purpose of population health screening. Participant phenotype was not available at the time of variant classification. Additional details can be found in publication PMID: 35346344, PMCID: PMC8962531

Blueprint Genetics
Classification: Uncertain significance. Last evaluated: 2022-04-08. Review status: criteria provided, single submitter. Criteria: ACMG Guidelines, 2015. Collection method: clinical testing. Allele origin: germline.

Literature cited by the submitters: PubMed 28135145 (cited by 3 submitters); PubMed 34130653 (cited by Color Diagnostics, LLC DBA Color Health and All of Us Research Program, National Institutes of Health).

NM_005359.6(SMAD4):c.845A>C (p.His282Pro)

Gene: SMAD4 (SMAD family member 4; plus strand). Cytogenetic location: 18q21.2.
Variant type: single nucleotide variant.
Coding change: c.845A>C on transcript NM_005359.6 (MANE Select); coding-DNA position 845, A replaced by C.
Protein change: p.His282Pro; replaces histidine 282 with proline.
Molecular consequence: missense variant.
Genome position (GRCh38, 1-based): chr18:51,058,397, A>C. VCF-style: chr18-51058397-A-C. GRCh37 (hg19) VCF-style: chr18-48584767-A-C.
Other names: short protein forms H282P.
Identifiers: ClinVar variation 460568 (VCV000460568.32), dbSNP rs1555685962, ClinGen allele CA402463486.